The following is an entry in ClinVar:

ClinVar aggregate classification (germline): Uncertain significance (1 of 4 stars; one submission).

Submission:

Labcorp Genetics (formerly Invitae), Labcorp
Classification: Uncertain significance. Last evaluated: 2022-08-21. Review status: criteria provided, single submitter. Criteria: Invitae Variant Classification Sherloc (09022015). Collection method: clinical testing. Allele origin: germline.
Comment: This sequence change replaces valine, which is neutral and non-polar, with leucine, which is neutral and non-polar, at codon 256 of the KIF2A protein (p.Val256Leu). This variant is not present in population databases (gnomAD no frequency). This variant has not been reported in the literature in individuals affected with KIF2A-related conditions. ClinVar contains an entry for this variant (Variation ID: 1518629). Algorithms developed to predict the effect of missense changes on protein structure and function are either unavailable or do not agree on the potential impact of this missense change (SIFT: "Tolerated"; PolyPhen-2: "Probably Damaging"; Align-GVGD: "Class C0"). In summary, the available evidence is currently insufficient to determine the role of this variant in disease. Therefore, it has been classified as a Variant of Uncertain Significance.

NM_001098511.3(KIF2A):c.766G>C (p.Val256Leu)

Gene: KIF2A (kinesin family member 2A; plus strand). Cytogenetic location: 5q12.1.
Variant type: single nucleotide variant.
Coding change: c.766G>C on transcript NM_001098511.3 (MANE Select); coding-DNA position 766, G replaced by C.
Protein change: p.Val256Leu; replaces valine 256 with leucine.
Molecular consequence: missense variant.
Genome position (GRCh38, 1-based): chr5:62,358,193, G>C. VCF-style: chr5-62358193-G-C. GRCh37 (hg19) VCF-style: chr5-61654020-G-C.
Other names: c.685G>C, p.Val229Leu (NM_001243952.2); c.709G>C, p.Val237Leu (NM_001243953.2); c.766G>C, p.Val256Leu (NM_004520.5); short protein forms V229L, V237L, V256L.
Identifiers: ClinVar variation 1518629 (VCV001518629.8), dbSNP rs2111942154, ClinGen allele CA359949839.